The following is an entry in ClinVar:

NM_000751.3(CHRND):c.243C>T (p.His81=)

Gene: CHRND (cholinergic receptor nicotinic delta subunit; plus strand). Cytogenetic location: 2q37.1.
Variant type: single nucleotide variant.
Coding change: c.243C>T on transcript NM_000751.3 (MANE Select); coding-DNA position 243, C replaced by T.
Protein change: p.His81=; no amino-acid change (histidine 81 retained).
Molecular consequence: synonymous variant. On other transcripts: 5 prime UTR variant (2), intron variant (1).
Genome position (GRCh38, 1-based): chr2:232,527,445, C>T. VCF-style: chr2-232527445-C-T. GRCh37 (hg19) VCF-style: chr2-233392155-C-T.
Other names: p.His81=; c.-29C>T (NM_001311195.2, NM_001311196.2); c.198+771C>T (NM_001256657.2).
Identifiers: ClinVar variation 128758 (VCV000128758.19), dbSNP rs115841867, ClinGen allele CA152400.

ClinVar aggregate classification (germline): Benign/Likely benign. Review status: criteria provided, multiple submitters, no conflicts (2 of 4 stars). 6 submissions from 6 submitters: Benign (3); Likely benign (2). 1 of the submissions does not count toward it. Last evaluated 2026-02-03.

Conditions:
Lethal multiple pterygium syndrome (LMPS). Identifiers: Orphanet 33108, MedGen C1854678, MONDO:0009668, OMIM 253290.

Allele frequency attached by ClinVar (database versions not stated): gnomAD exomes 0.00210; ExAC 0.00278; gnomAD 0.00853 and 0.00919; 1000 Genomes Project 0.00879; TOPMed 0.00911; 1000 Genomes Project 30x 0.00968; ESP Exome Variant Server 0.01099.
gnomAD v4.1: 2,688 of 1,612,212 alleles (0.17%); highest among the groups gnomAD compares: African/African-American, 3.1%; 53 homozygotes.

Submissions (6):

Labcorp Genetics (formerly Invitae), Labcorp
Classification: Benign for Lethal multiple pterygium syndrome. Last evaluated: 2026-02-03. Review status: criteria provided, single submitter. Criteria: Invitae Variant Classification Sherloc (09022015). Collection method: clinical testing. Allele origin: germline.

Mayo Clinic Laboratories, Mayo Clinic
Classification: Benign. Last evaluated: 2023-02-14. Review status: criteria provided, single submitter. Criteria: ACMG Guidelines, 2015. Collection method: clinical testing. Allele origin: germline. Observed: 7 variant alleles.
Comment: BS1, BS2, BP4, BP7

GeneDx
Classification: Benign. Last evaluated: 2018-01-12. Review status: criteria provided, single submitter. Criteria: GeneDx Variant Classification (06012015). Collection method: clinical testing. Allele origin: germline. Affected: yes.
Comment: This variant is considered likely benign or benign based on one or more of the following criteria: it is a conservative change, it occurs at a poorly conserved position in the protein, it is predicted to be benign by multiple in silico algorithms, and/or has population frequency not consistent with disease.

Center for Pediatric Genomic Medicine, Children's Mercy Hospital and Clinics
Classification: Likely benign. Last evaluated: 2017-03-10. Review status: criteria provided, single submitter. Criteria: ACMG Guidelines, 2015. Collection method: clinical testing. Allele origin: germline.

Breakthrough Genomics
Classification: Likely benign. Review status: criteria provided, single submitter. Criteria: ACMG Guidelines, 2015. Collection method: not provided. Allele origin: germline. Inheritance: Autosomal recessive inheritance. Affected: yes.

Genetic Services Laboratory, University of Chicago
Classification: Likely benign for AllHighlyPenetrant. Review status: no assertion criteria provided. Collection method: clinical testing. Allele origin: germline. Not counted in ClinVar's aggregate classification.
Comment: Likely benign based on allele frequency in 1000 Genomes Project or ESP global frequency and its presence in a patient with a rare or unrelated disease phenotype. NOT Sanger confirmed.